The following is an entry in ClinVar:

ClinVar aggregate classification (germline): Uncertain significance. Review status: criteria provided, multiple submitters, no conflicts (2 of 4 stars). 3 submissions from 3 submitters: Uncertain significance (3). Last evaluated 2025-09-23.

Conditions:
Heterotopia, periventricular, X-linked dominant (PVNH1). Also called: PERIVENTRICULAR NODULAR HETEROTOPIA 1; X-linked periventricular heterotopia; PERIVENTRICULAR NODULAR HETEROTOPIA 4; HETEROTOPIA, PERIVENTRICULAR, 1. Identifiers: Orphanet 2149, Orphanet 82004, MedGen C1848213, MONDO:0010233, OMIM 300049.
Melnick-Needles syndrome (MNS). Also called: MELNICK-NEEDLES OSTEODYSPLASTY; OSTEODYSPLASTY OF MELNICK AND NEEDLES; Melnick-Needles Syndrome (FLNA-MNS). Identifiers: Orphanet 2484, MedGen C0025237, MONDO:0010650, OMIM 309350.
Frontometaphyseal dysplasia (FMD1). Identifiers: Orphanet 1826, MedGen C0265293, MONDO:0015942.
Oto-palato-digital syndrome, type II (OPD2). Also called: FACIOPALATOOSSEOUS SYNDROME; OPD II SYNDROME; Otopalatodigital Syndrome Type 2 (FLNA-OPD2); Otopalatodigital Syndrome, Type II. Identifiers: Orphanet 669, Orphanet 90652, MedGen C1844696, MONDO:0010571, OMIM 304120.
FG syndrome 2 (FGS2). Identifiers: MedGen C1845902, MONDO:0010297, OMIM 300321.
Frontometaphyseal dysplasia 1 (FMD1). Also called: Frontometaphyseal Dysplasia (FLNA-FMD). Identifiers: Orphanet 1826, MedGen C4281559, MONDO:0024550, OMIM 305620.
Terminal osseous dysplasia-pigmentary defects syndrome. Also called: ODPF SYNDROME; OSSEOUS DYSPLASIA, DIGITAL, WITH FACIAL PIGMENTARY DEFECTS AND MULTIPLE FRENULA; Terminal Osseous Dysplasia (FLNA-TOD); ODPD; TERMINAL OSSEOUS DYSPLASIA AND PIGMENTARY DEFECTS. Identifiers: Orphanet 88630, MedGen C1846129, MONDO:0010279, OMIM 300244.
Cardiac valvular dysplasia, X-linked (CVDPX). Also called: MYXOMATOUS VALVULAR DYSTROPHY, X-LINKED; VALVULAR HEART DISEASE, CONGENITAL; Congenital valvular dysplasia; Isolated X-Linked Cardiac Valvular Dysplasia; FLNA-Related X-linked Cardiac Valvular Dysplasia. Identifiers: Orphanet 1864, Orphanet 555877, Orphanet 75497, MedGen C0262436, MONDO:0010753, OMIM 314400.
Intestinal pseudoobstruction, neuronal, chronic idiopathic, X-linked (CIIPX). Also called: INTESTINAL PSEUDOOBSTRUCTION, NEURONAL, CHRONIC IDIOPATHIC, WITH CENTRAL NERVOUS SYSTEM INVOLVEMENT; CONGENITAL IDIOPATHIC INTESTINAL PSEUDOOBSTRUCTION; FLNA-Related Periventricular Nodular Heterotopia (FLNA-Related PVNH; Huttenlocher Syndrome). Identifiers: Orphanet 2301, MedGen C2746068, MONDO:0010232, OMIM 300048.
Oto-palato-digital syndrome, type I (OPD1). Also called: OPD I SYNDROME; OPD SYNDROME 1; Taybi syndrome; Otopalatodigital Syndrome Type 1 (FLNA-OPD1); Otopalatodigital Syndrome, Type I. Identifiers: Orphanet 669, Orphanet 90650, MedGen C0265251, MONDO:0010704, OMIM 311300.

Allele frequency attached by ClinVar (database versions not stated): gnomAD exomes below 0.00001.
gnomAD v4.1: 3 of 1,194,001 alleles (0.00025%); highest among the groups gnomAD compares: Non-Finnish European, 0.00034%; no homozygotes.

Submissions (3):

Labcorp Genetics (formerly Invitae), Labcorp
Classification: Uncertain significance for Oto-palato-digital syndrome, type II; Heterotopia, periventricular, X-linked dominant; Frontometaphyseal dysplasia; Melnick-Needles syndrome. Last evaluated: 2025-09-23. Review status: criteria provided, single submitter. Criteria: Invitae Variant Classification Sherloc (09022015). Collection method: clinical testing. Allele origin: germline.
Comment: This sequence change replaces arginine, which is basic and polar, with tryptophan, which is neutral and slightly polar, at codon 24 of the FLNA protein (p.Arg24Trp). This variant is not present in population databases (gnomAD no frequency). This variant has not been reported in the literature in individuals affected with FLNA-related conditions. ClinVar contains an entry for this variant (Variation ID: 652015). Invitae Evidence Modeling of protein sequence and biophysical properties (such as structural, functional, and spatial information, amino acid conservation, physicochemical variation, residue mobility, and thermodynamic stability) indicates that this missense variant is not expected to disrupt FLNA protein function with a negative predictive value of 95%. In summary, the available evidence is currently insufficient to determine the role of this variant in disease. Therefore, it has been classified as a Variant of Uncertain Significance.

GeneDx
Classification: Uncertain significance. Last evaluated: 2024-03-23. Review status: criteria provided, single submitter. Criteria: GeneDx Variant Classification Process June 2021. Collection method: clinical testing. Allele origin: germline. Affected: yes.
Comment: Has not been previously published as pathogenic or benign to our knowledge; In silico analysis supports that this missense variant does not alter protein structure/function

Juno Genomics, Hangzhou Juno Genomics, Inc
Classification: Uncertain significance for FG syndrome 2; Cardiac valvular dysplasia, X-linked; Intestinal pseudoobstruction, neuronal, chronic idiopathic, X-linked; Frontometaphyseal dysplasia 1; Heterotopia, periventricular, X-linked dominant; Melnick-Needles syndrome; Oto-palato-digital syndrome, type I; Oto-palato-digital syndrome, type II; Terminal osseous dysplasia-pigmentary defects syndrome. Review status: criteria provided, single submitter. Criteria: ACMG Guidelines, 2015. Collection method: clinical testing. Allele origin: germline.
Comment: Absent from controls (or at extremely low frequency if recessive) in Genome Aggregation Database.

NM_001110556.2(FLNA):c.70C>T (p.Arg24Trp)

Gene: FLNA (filamin A; minus strand). Cytogenetic location: Xq28.
Variant type: single nucleotide variant.
Coding change: c.70C>T on transcript NM_001110556.2 (MANE Select); coding-DNA position 70, C replaced by T.
Protein change: p.Arg24Trp; replaces arginine 24 with tryptophan.
Molecular consequence: missense variant.
Genome position (GRCh38, 1-based): chrX:154,371,176, G>A on the plus strand (C>T on the coding strand, the complement: FLNA is on the minus strand). VCF-style: chrX-154371176-G-A. GRCh37 (hg19) VCF-style: chrX-153599544-G-A.
Other names: c.70C>T, p.Arg24Trp (NM_001456.4); short protein forms R24W.
Identifiers: ClinVar variation 652015 (VCV000652015.15), dbSNP rs1164930154, ClinGen allele CA415255704.